The following is an entry in ClinVar:

ClinVar aggregate classification (germline): Uncertain significance. Review status: criteria provided, multiple submitters, no conflicts (2 of 4 stars). 4 submissions from 4 submitters: Uncertain significance (3). 1 of the submissions does not count toward it. Last evaluated 2026-01-19.

Conditions:
GNE myopathy (NM). Also called: IBM 2; Inclusion body myopathy autosomal recessive; Inclusion body myopathy quadriceps sparing; INCLUSION BODY MYOPATHY, HEREDITARY, AUTOSOMAL RECESSIVE; INCLUSION BODY MYOPATHY 2, AUTOSOMAL RECESSIVE; MYOPATHY, DISTAL, WITH OR WITHOUT RIMMED VACUOLES. Identifiers: Orphanet 602, MedGen C1853926, MONDO:0011603, OMIM 605820.
Sialuria. Also called: SIALURIA, FRENCH TYPE; Sialic Acid Storage Disease. Identifiers: Orphanet 3166, MedGen C0342853, MONDO:0010028, OMIM 269921.

Allele frequency attached by ClinVar (database versions not stated): gnomAD 0.00001; TOPMed 0.00002; ExAC 0.00004.
gnomAD v4.1: 49 of 1,611,986 alleles (0.003%); highest among the groups gnomAD compares: Admixed American, 0.0067%; no homozygotes.

Submissions (4):

Labcorp Genetics (formerly Invitae), Labcorp
Classification: Uncertain significance for Sialuria; GNE myopathy. Last evaluated: 2026-01-19. Review status: criteria provided, single submitter. Criteria: Invitae Variant Classification Sherloc (09022015). Collection method: clinical testing. Allele origin: germline.
Comment: This sequence change replaces lysine, which is basic and polar, with asparagine, which is neutral and polar, at codon 26 of the GNE protein (p.Lys26Asn). This variant is present in population databases (rs767777879, gnomAD 0.009%). This variant has not been reported in the literature in individuals affected with GNE-related conditions. ClinVar contains an entry for this variant (Variation ID: 581426). An algorithm developed to predict the effect of missense changes on protein structure and function (PolyPhen-2) suggests that this variant is likely to be tolerated. In summary, the available evidence is currently insufficient to determine the role of this variant in disease. Therefore, it has been classified as a Variant of Uncertain Significance.

Revvity Omics, Revvity
Classification: Uncertain significance. Last evaluated: 2023-06-19. Review status: criteria provided, single submitter. Criteria: ACMG Guidelines, 2015. Collection method: clinical testing. Allele origin: germline.

Eurofins Ntd Llc (ga)
Classification: Uncertain significance. Last evaluated: 2018-06-29. Review status: criteria provided, single submitter. Criteria: EGL ClinVar v180209 classification definitions. Collection method: clinical testing. Allele origin: germline. Observed: 1 variant allele, 1 heterozygote.

Natera, Inc.
Classification: Uncertain significance for Nonaka myopathy. Last evaluated: 2020-01-09. Review status: no assertion criteria provided. Collection method: clinical testing. Allele origin: germline. Not counted in ClinVar's aggregate classification.

NM_001128227.3(GNE):c.78A>T (p.Lys26Asn)

Gene: GNE (glucosamine (UDP-N-acetyl)-2-epimerase/N-acetylmannosamine kinase; minus strand). Cytogenetic location: 9p13.3.
Variant type: single nucleotide variant.
Coding change: c.78A>T on transcript NM_001128227.3 (MANE Plus Clinical); coding-DNA position 78, A replaced by T.
Protein change: p.Lys26Asn; replaces lysine 26 with asparagine.
Molecular consequence: missense variant. On other transcripts: 5 prime UTR variant (3), intron variant (3).
Genome position (GRCh38, 1-based): chr9:36,249,371, T>A on the plus strand (A>T on the coding strand, the complement: GNE is on the minus strand). VCF-style: chr9-36249371-T-A. GRCh37 (hg19) VCF-style: chr9-36249368-T-A.
Other names: c.-16A>T (NM_001190383.3, NM_001374797.1, NM_005476.7); c.-13-2889A>T (NM_001190388.2, NM_001190384.3, NM_001374798.1); short protein forms K26N.
Identifiers: ClinVar variation 581426 (VCV000581426.12), dbSNP rs767777879, ClinGen allele CA5056783.